The following is an entry in ClinVar:

NM_003140.3(SRY):c.248C>A (p.Pro83His)

Gene: SRY (sex determining region Y; minus strand). Cytogenetic location: Yp11.2.
Variant type: single nucleotide variant.
Coding change: c.248C>A on transcript NM_003140.3 (MANE Select); coding-DNA position 248, C replaced by A.
Protein change: p.Pro83His; replaces proline 83 with histidine.
Molecular consequence: missense variant.
Genome position (GRCh38, 1-based): chrY:2,787,356, G>T on the plus strand (C>A on the coding strand, the complement: SRY is on the minus strand). VCF-style: chrY-2787356-G-T. GRCh37 (hg19) VCF-style: chrY-2655397-G-T.
Other names: short protein forms P83H.
Identifiers: ClinVar variation 949914 (VCV000949914.9), dbSNP rs2051123246, ClinGen allele CA414941457.
Genomic context (GRCh38, chrY:2,787,356, plus strand): 5'-TCAGTAAGCATTTTCCACTGGTATCCCAGCTGCTTGCTGATCTCTGAGTTTCGCATTCTG[G>T]GATTCTCTAGAGCCATCTTGCGCCTCTGATCGCGAGACCACACGATGAATGCGTTCATGG-3'
Protein context (NP_003131.1, residues 73-93): DQRRKMALEN[Pro83His]RMRNSEISKQ

ClinVar aggregate classification (germline): Uncertain significance (1 of 4 stars; one submission).

Conditions:
46,XY sex reversal 1. Also called: SRY-related 46,XY complete gonadal dysgenesis; 46,XY SEX REVERSAL, SRY-RELATED. Identifiers: Orphanet 242, MedGen C2748896, MONDO:0020712, OMIM 400044.

Submission:

Labcorp Genetics (formerly Invitae), Labcorp
Classification: Uncertain significance for 46,XY sex reversal 1. Last evaluated: 2019-08-08. Review status: criteria provided, single submitter. Criteria: Invitae Variant Classification Sherloc (09022015). Collection method: clinical testing. Allele origin: germline.
Comment: This sequence change replaces proline with histidine at codon 83 of the SRY protein (p.Pro83His). The proline residue is moderately conserved and there is a moderate physicochemical difference between proline and histidine. This variant is not present in population databases (ExAC no frequency). This variant has not been reported in the literature in individuals with SRY-related conditions. Algorithms developed to predict the effect of missense changes on protein structure and function are either unavailable or do not agree on the potential impact of this missense change (SIFT: "Tolerated"; PolyPhen-2: "Probably Damaging"; Align-GVGD: "Class C0"). In summary, the available evidence is currently insufficient to determine the role of this variant in disease. Therefore, it has been classified as a Variant of Uncertain Significance.